The following is an entry in ClinVar:

ClinVar aggregate classification (germline): Likely benign. Review status: criteria provided, multiple submitters, no conflicts (2 of 4 stars). 2 submissions from 2 submitters: Likely benign (2). Last evaluated 2022-12-12.

Conditions:
Developmental and epileptic encephalopathy, 42 (DEE42A). Also called: Epileptic encephalopathy, early infantile, 42; DEVELOPMENTAL AND EPILEPTIC ENCEPHALOPATHY 42A; EPILEPTIC ENCEPHALOPATHY, EARLY INFANTILE, 42A. Identifiers: MedGen C4310716, MONDO:0014917, OMIM 617106.
Episodic ataxia type 2 (EA2). Also called: ACETAZOLAMIDE-RESPONSIVE HEREDITARY PAROXYSMAL CEREBELLAR ATAXIA; ATAXIA, FAMILIAL PAROXYSMAL; CEREBELLAR ATAXIA, PAROXYSMAL, ACETAZOLAMIDE-RESPONSIVE; CEREBELLOPATHY, HEREDITARY PAROXYSMAL; EPISODIC ATAXIA, NYSTAGMUS-ASSOCIATED; ATAXIA, EPISODIC, WITH NYSTAGMUS. Identifiers: Orphanet 97, MedGen C1720416, MONDO:0007163, OMIM 108500.

Allele frequency attached by ClinVar (database versions not stated): gnomAD exomes 0.00001; ExAC 0.00002.

Submissions (2):

Labcorp Genetics (formerly Invitae), Labcorp
Classification: Likely benign for Developmental and epileptic encephalopathy, 42; Episodic ataxia type 2. Last evaluated: 2022-12-12. Review status: criteria provided, single submitter. Criteria: Invitae Variant Classification Sherloc (09022015). Collection method: clinical testing. Allele origin: germline.

GeneDx
Classification: Likely benign. Last evaluated: 2018-04-05. Review status: criteria provided, single submitter. Criteria: GeneDx Variant Classification (06012015). Collection method: clinical testing. Allele origin: germline. Affected: yes.
Comment: This variant is considered likely benign or benign based on one or more of the following criteria: it is a conservative change, it occurs at a poorly conserved position in the protein, it is predicted to be benign by multiple in silico algorithms, and/or has population frequency not consistent with disease.

NM_001127222.2(CACNA1A):c.5528+6A>G

Gene: CACNA1A (calcium voltage-gated channel subunit alpha1 A; minus strand). Cytogenetic location: 19p13.13.
Variant type: single nucleotide variant.
Coding change: c.5528+6A>G on transcript NM_001127222.2 (MANE Select); 6 bases into the intron after coding-DNA position 5528, A replaced by G.
Molecular consequence: intron variant.
Genome position (GRCh38, 1-based): chr19:13,230,076, T>C on the plus strand (A>G on the coding strand, the complement: CACNA1A is on the minus strand). VCF-style: chr19-13230076-T-C. GRCh37 (hg19) VCF-style: chr19-13340890-T-C.
Other names: c.5531+6A>G (NM_001127221.2); c.5537+6A>G (NM_001174080.2); c.5546+6A>G (NM_000068.4, NM_023035.3).
Identifiers: ClinVar variation 681449 (VCV000681449.10), dbSNP rs762224302, ClinGen allele CA9239718.